The following is an entry in ClinVar:

NM_006074.5(TRIM22):c.750+2T>C

Gene: TRIM22 (tripartite motif containing 22; plus strand). Cytogenetic location: 11p15.4.
Variant type: single nucleotide variant.
Coding change: c.750+2T>C on transcript NM_006074.5 (MANE Select); the canonical splice donor site of the intron after coding-DNA position 750, T replaced by C.
Molecular consequence: splice donor variant.
Genome position (GRCh38, 1-based): chr11:5,698,547, T>C. VCF-style: chr11-5698547-T-C. GRCh37 (hg19) VCF-style: chr11-5719777-T-C.
Other names: NC_000011.9:g.5719777T>C; c.738+2T>C (NM_001199573.2).
Identifiers: ClinVar variation 3039729 (VCV003039729.20), dbSNP rs114191522, ClinGen allele CA5845878.

ClinVar aggregate classification (germline): Conflicting classifications of pathogenicity. Review status: criteria provided, conflicting classifications (1 of 4 stars). 5 submissions from 5 submitters: Uncertain significance (1); Benign (2); Likely benign (1). 1 of the submissions does not count toward it. Last evaluated 2026-07-01.

Conditions:
TRIM22-related disorder. Also called: TRIM22-related condition.
Primary ciliary dyskinesia. Also called: Ciliary dyskinesia. Identifiers: Orphanet 244, MedGen C0008780, MONDO:0016575, HP:0012265.

Allele frequency attached by ClinVar (database versions not stated): gnomAD exomes 0.00044; gnomAD 0.00512; TOPMed 0.00587; ExAC 0.00212; ESP Exome Variant Server 0.00499; 1000 Genomes Project 0.00919; 1000 Genomes Project 30x 0.01015.
gnomAD v4.1: 1,452 of 1,610,064 alleles (0.09%); highest among the groups gnomAD compares: African/African-American, 1.7%; 14 homozygotes.

Submissions (8):

CeGaT Center for Human Genetics Tuebingen
Classification: Benign. Last evaluated: 2026-07-01. Review status: criteria provided, single submitter. Criteria: CeGaT Center For Human Genetics Tuebingen Variant Classification Criteria Version 2. Collection method: clinical testing. Allele origin: germline. Affected: yes. Observed: 2 variant alleles.
Comment: TRIM22: BS1, BS2

Department of Human Genetics, Hannover Medical School
Classification: Uncertain significance for Primary Ciliary Dyskinesia. Last evaluated: 2026-04-01. Review status: criteria provided, single submitter. Criteria: ACMG Guidelines, 2015. Collection method: research. Allele origin: germline. Affected: no.
Comment: Classification performed by HerediClassify using the following criteria:['PVS1_splicing_strong: Transcript ENST00000379965 does not undergo NMD and reading frame is preserved. Protein length change of 0.15461847389558236 observed.']

Mayo Clinic Laboratories, Mayo Clinic
Classification: Benign. Last evaluated: 2025-07-29. Review status: criteria provided, single submitter. Criteria: ACMG Guidelines, 2015. Collection method: clinical testing. Allele origin: germline. Observed: 1 variant allele.
Comment: BS1, BS2

Blueprint Genetics
Classification: Likely benign. Last evaluated: 2024-11-13. Review status: criteria provided, single submitter. Criteria: ACMG Guidelines, 2015. Collection method: clinical testing. Allele origin: germline.

PreventionGenetics, part of Exact Sciences
Classification: Likely benign for TRIM22-related condition. Last evaluated: 2021-01-08. Review status: no assertion criteria provided. Collection method: clinical testing. Allele origin: germline. Not counted in ClinVar's aggregate classification.
Comment: This variant is classified as likely benign based on ACMG/AMP sequence variant interpretation guidelines (Richards et al. 2015 PMID: 25741868, with internal and published modifications).

Dr. Peter K. Rogan Lab, Western University
No classification provided (evidence only). Condition: Clear cell carcinoma of kidney. Review status: no classification provided. Collection method: in vitro. Allele origin: not applicable. Functional consequence: retained intron. Not counted in ClinVar's aggregate classification.

Dr. Peter K. Rogan Lab, Western University
No classification provided (evidence only). Condition: Clear cell carcinoma of kidney. Review status: no classification provided. Collection method: in vitro. Allele origin: not applicable. Functional consequence: skipped exon, retained intron. Not counted in ClinVar's aggregate classification.

Dr. Peter K. Rogan Lab, Western University
No classification provided (evidence only). Condition: Colon adenocarcinoma. Review status: no classification provided. Collection method: in vitro. Allele origin: not applicable. Functional consequence: retained intron. Not counted in ClinVar's aggregate classification.

Literature cited by the submitters: PubMed 31345219 (cited by Mayo Clinic Laboratories, Mayo Clinic).